The following is an entry in ClinVar:

NM_016277.5(RAB23):c.*1706T>C

Genes: BAG2 (BAG cochaperone 2; plus strand), RAB23 (RAB23, member RAS oncogene family; minus strand). Cytogenetic location: 6p12.1.
Variant type: single nucleotide variant.
Coding change: c.*1706T>C on transcript NM_016277.5 (MANE Select); 1706 bases downstream of the stop codon, T replaced by C.
Molecular consequence: 3 prime UTR variant. On other transcripts: non-coding transcript variant (1).
Genome position (GRCh38, 1-based): chr6:57,188,755, A>G on the plus strand (T>C on the coding strand, the complement: RAB23 is on the minus strand). VCF-style: chr6-57188755-A-G. GRCh37 (hg19) VCF-style: chr6-57053553-A-G.
Other names: c.*1706T>C (NM_001278666.2, NM_001278667.2, NM_001278668.2 and 1 more transcripts); c.*4565A>G (NM_004282.4).
Identifiers: ClinVar variation 911545 (VCV000911545.4), dbSNP rs11969200, ClinGen allele CA139735989.

ClinVar aggregate classification (germline): Likely benign (1 of 4 stars; one submission).

Conditions:
RAB23-related Carpenter syndrome. Also called: ACPS II; Carpenter syndrome 1. Identifiers: Orphanet 65759, MedGen C4551510, MONDO:0008710, OMIM 201000.

Allele frequency attached by ClinVar (database versions not stated): gnomAD 0.00185 and 0.00198; 1000 Genomes Project 30x 0.00234; TOPMed 0.00241; 1000 Genomes Project 0.00220.

Submission:

Illumina Laboratory Services, Illumina
Classification: Likely benign for RAB23-related Carpenter syndrome. Last evaluated: 2018-01-13. Review status: criteria provided, single submitter. Criteria: ICSL Variant Classification Criteria 13 December 2019. Collection method: clinical testing. Allele origin: germline.
Comment: This variant was observed in the ICSL laboratory as part of a predisposition screen in an ostensibly healthy population. It had not been previously curated by ICSL or reported in the Human Gene Mutation Database (HGMD: prior to June 1st, 2018), and was therefore a candidate for classification through an automated scoring system. Utilizing variant allele frequency, disease prevalence and penetrance estimates, and inheritance mode, an automated score was calculated to assess if this variant is too frequent to cause the disease. Based on the score and internal cut-off values, a variant classified as likely benign is not then subjected to further curation. The score for this variant resulted in a classification of likely benign for this disease.